The following is an entry in ClinVar:

ClinVar aggregate classification (germline): Uncertain significance (1 of 4 stars; one submission).

Conditions:
Frontometaphyseal dysplasia (FMD1). Identifiers: Orphanet 1826, MedGen C0265293, MONDO:0015942.
Oto-palato-digital syndrome, type II (OPD2). Also called: FACIOPALATOOSSEOUS SYNDROME; OPD II SYNDROME; Otopalatodigital Syndrome, Type II; Otopalatodigital Syndrome Type 2 (FLNA-OPD2). Identifiers: Orphanet 669, Orphanet 90652, MedGen C1844696, MONDO:0010571, OMIM 304120.
Heterotopia, periventricular, X-linked dominant (PVNH1). Also called: PERIVENTRICULAR NODULAR HETEROTOPIA 1; X-linked periventricular heterotopia; PERIVENTRICULAR NODULAR HETEROTOPIA 4; HETEROTOPIA, PERIVENTRICULAR, 1. Identifiers: Orphanet 2149, Orphanet 82004, MedGen C1848213, MONDO:0010233, OMIM 300049.
Melnick-Needles syndrome (MNS). Also called: MELNICK-NEEDLES OSTEODYSPLASTY; OSTEODYSPLASTY OF MELNICK AND NEEDLES; Melnick-Needles Syndrome (FLNA-MNS). Identifiers: Orphanet 2484, MedGen C0025237, MONDO:0010650, OMIM 309350.

Allele frequency attached by ClinVar (database versions not stated): gnomAD exomes below 0.00001.
gnomAD v4.1: 1 of 1,211,435 alleles (0.000083%); highest among the groups gnomAD compares: Non-Finnish European, 0.00011%; no homozygotes.

Submission:

Labcorp Genetics (formerly Invitae), Labcorp
Classification: Uncertain significance for Oto-palato-digital syndrome, type II; Heterotopia, periventricular, X-linked dominant; Frontometaphyseal dysplasia; Melnick-Needles syndrome. Last evaluated: 2019-01-20. Review status: criteria provided, single submitter. Criteria: Invitae Variant Classification Sherloc (09022015). Collection method: clinical testing. Allele origin: germline.
Comment: This sequence change replaces asparagine with serine at codon 1966 of the FLNA protein (p.Asn1966Ser). The asparagine residue is highly conserved and there is a small physicochemical difference between asparagine and serine. This variant is not present in population databases (ExAC no frequency). This variant has not been reported in the literature in individuals with FLNA-related conditions. Algorithms developed to predict the effect of missense changes on protein structure and function are either unavailable or do not agree on the potential impact of this missense change (SIFT: "Deleterious"; PolyPhen-2: "Benign"; Align-GVGD: "Class C15"). Algorithms developed to predict the effect of sequence changes on RNA splicing suggest that this variant may create or strengthen a splice site, but this prediction has not been confirmed by published transcriptional studies. In summary, the available evidence is currently insufficient to determine the role of this variant in disease. Therefore, it has been classified as a Variant of Uncertain Significance.

NM_001110556.2(FLNA):c.5921A>G (p.Asn1974Ser)

Gene: FLNA (filamin A; minus strand). Cytogenetic location: Xq28.
Variant type: single nucleotide variant.
Coding change: c.5921A>G on transcript NM_001110556.2 (MANE Select); coding-DNA position 5921, A replaced by G.
Protein change: p.Asn1974Ser; replaces asparagine 1974 with serine.
Molecular consequence: missense variant.
Genome position (GRCh38, 1-based): chrX:154,353,397, T>C on the plus strand (A>G on the coding strand, the complement: FLNA is on the minus strand). VCF-style: chrX-154353397-T-C. GRCh37 (hg19) VCF-style: chrX-153581765-T-C.
Other names: c.5897A>G, p.Asn1966Ser (NM_001456.4); short protein forms N1966S, N1974S.
Identifiers: ClinVar variation 855541 (VCV000855541.10), dbSNP rs2067637324, ClinGen allele CA415197910.
Genomic context (GRCh38, chrX:154,353,397, plus strand): 5'-TCCCGGCCCGAGGGCGGGACCACAGTGGCCGTCAGCAGGCTGAGATCCGTCTCTGAGATG[T>C]TGATGGGGATGTCGGCAGCAGAGCCGACCTTTAGGTGGGACATACGCATGGAGTCGTCAC-3'
Protein context (NP_001104026.1, residues 1964-1984): KVGSAADIPI[Asn1974Ser]ISETDLSLLT